The following is an entry in ClinVar:

NM_005677.4(COLQ):c.321G>C (p.Gln107His)

Gene: COLQ (collagen like tail subunit of asymmetric acetylcholinesterase; minus strand). Cytogenetic location: 3p25.1.
Variant type: single nucleotide variant.
Coding change: c.321G>C on transcript NM_005677.4 (MANE Select); coding-DNA position 321, G replaced by C.
Protein change: p.Gln107His; replaces glutamine 107 with histidine.
Molecular consequence: missense variant. On other transcripts: intron variant (1).
Genome position (GRCh38, 1-based): chr3:15,488,206, C>G on the plus strand (G>C on the coding strand, the complement: COLQ is on the minus strand). VCF-style: chr3-15488206-C-G. GRCh37 (hg19) VCF-style: chr3-15529713-C-G.
Other names: c.291G>C, p.Gln97His (NM_080538.2); c.219+1319G>C (NM_080539.4); short protein forms Q107H, Q97H.
Identifiers: ClinVar variation 4688572 (VCV004688572.1).

ClinVar aggregate classification (germline): Uncertain significance (1 of 4 stars; one submission).

gnomAD v4.1: 2 of 1,611,480 alleles (0.00012%); highest among the groups gnomAD compares: Non-Finnish European, 0.00017%; no homozygotes.

Submission:

Women's Health and Genetics/Laboratory Corporation of America, LabCorp
Classification: Uncertain significance. Last evaluated: 2025-12-04. Review status: criteria provided, single submitter. Criteria: LabCorp Variant Classification Summary - May 2015. Collection method: clinical testing. Allele origin: germline.
Comment: Variant summary: COLQ c.321G>C (p.Gln107His) results in a non-conservative amino acid change in the encoded protein sequence. Algorithms developed to predict the effect of missense changes on protein structure and function all suggest that this variant is likely to be disruptive. In addition, this variant affects the last nucleotide of exon 3, therefore might also affect splicing. Several computational tools predict a significant impact on normal splicing: four predict the variant abolishes a 5' splicing donor site. However, these predictions have yet to be confirmed by functional studies. The variant allele was found at a frequency of 1.2e-06 in 1604510 control chromosomes (gnomAD). The available data on variant occurrences in the general population are insufficient to allow any conclusion about variant significance. To our knowledge, no occurrence of c.321G>C in individuals affected with COLQ-related conditions and no experimental evidence demonstrating its impact on protein function have been reported. No submitters have cited clinical-significance assessments for this variant to ClinVar. Based on the evidence outlined above, the variant was classified as uncertain significance.